The following is an entry in ClinVar:

NM_001080421.3(UNC13A):c.1524+7G>A

Gene: UNC13A (unc-13 homolog A; minus strand). Cytogenetic location: 19p13.11.
Variant type: single nucleotide variant.
Coding change: c.1524+7G>A on transcript NM_001080421.3 (MANE Select); 7 bases into the intron after coding-DNA position 1524, G replaced by A.
Molecular consequence: intron variant.
Genome position (GRCh38, 1-based): chr19:17,649,332, C>T on the plus strand (G>A on the coding strand, the complement: UNC13A is on the minus strand). VCF-style: chr19-17649332-C-T. GRCh37 (hg19) VCF-style: chr19-17760141-C-T.
Other names: p.?; c.1518+177G>A (NM_001387022.1, NM_001387023.1, NM_001387021.1).
Identifiers: ClinVar variation 4684360 (VCV004684360.1).

ClinVar aggregate classification (germline): Likely benign (1 of 4 stars; one submission).

Submission:

Mayo Clinic Laboratories, Mayo Clinic
Classification: Likely benign. Last evaluated: 2025-01-27. Review status: criteria provided, single submitter. Criteria: ACMG Guidelines, 2015. Collection method: clinical testing. Allele origin: germline. Observed: 1 variant allele.
Comment: BP4, BP7